The following is an entry in ClinVar:

ClinVar aggregate classification (germline): Likely benign (1 of 4 stars; one submission).

gnomAD v4.1: 33 of 1,597,494 alleles (0.0021%); highest among the groups gnomAD compares: Non-Finnish European, 0.0026%; no homozygotes.

Submission:

CeGaT Center for Human Genetics Tuebingen
Classification: Likely benign. Last evaluated: 2026-01-01. Review status: criteria provided, single submitter. Criteria: CeGaT Center For Human Genetics Tuebingen Variant Classification Criteria Version 2. Collection method: clinical testing. Allele origin: germline. Affected: yes. Observed: 1 variant allele.
Comment: FICD: BP4, BP7

NM_007076.3(FICD):c.204G>T (p.Ala68=)

Gene: FICD (FIC domain protein adenylyltransferase; plus strand). Cytogenetic location: 12q23.3.
Variant type: single nucleotide variant.
Coding change: c.204G>T on transcript NM_007076.3 (MANE Select); coding-DNA position 204, G replaced by T.
Protein change: p.Ala68=; no amino-acid change (alanine 68 retained).
Molecular consequence: synonymous variant.
Genome position (GRCh38, 1-based): chr12:108,517,176, G>T. VCF-style: chr12-108517176-G-T. GRCh37 (hg19) VCF-style: chr12-108910953-G-T.
Identifiers: ClinVar variation 4821518 (VCV004821518.4).